The following is an entry in ClinVar:

NM_006329.4(FBLN5):c.1246A>G (p.Ile416Val)

Gene: FBLN5 (fibulin 5; minus strand). Cytogenetic location: 14q32.12.
Variant type: single nucleotide variant.
Coding change: c.1246A>G on transcript NM_006329.4 (MANE Select); coding-DNA position 1246, A replaced by G.
Protein change: p.Ile416Val; replaces isoleucine 416 with valine.
Molecular consequence: missense variant. On other transcripts: 3 prime UTR variant (2).
Genome position (GRCh38, 1-based): chr14:91,870,325, T>C on the plus strand (A>G on the coding strand, the complement: FBLN5 is on the minus strand). VCF-style: chr14-91870325-T-C. GRCh37 (hg19) VCF-style: chr14-92336669-T-C.
Other names: c.1246A>G (NM_006329.3); c.1369A>G, p.Ile457Val (NM_001384158.1); c.1297A>G, p.Ile433Val (NM_001384159.1); c.*30A>G (NM_001384160.1, NM_001384161.1); c.1078A>G, p.Ile360Val (NM_001384162.1); short protein forms I360V, I416V, I433V, I457V.
Identifiers: ClinVar variation 1463058 (VCV001463058.7), dbSNP rs1195025685, ClinGen allele CA390639332.

ClinVar aggregate classification (germline): Uncertain significance. Review status: criteria provided, multiple submitters, no conflicts (2 of 4 stars). 2 submissions from 2 submitters: Uncertain significance (2). Last evaluated 2024-03-19.

Conditions:
Inborn genetic diseases. Identifiers: MedGen C0950123, MeSH D030342.

Allele frequency attached by ClinVar (database versions not stated): gnomAD exomes 0.00001.
gnomAD v4.1: 3 of 1,614,172 alleles (0.00019%); highest among the groups gnomAD compares: Non-Finnish European, 0.00025%; no homozygotes.

Submissions (2):

Ambry Genetics
Classification: Uncertain significance for Inborn genetic diseases. Last evaluated: 2024-03-19. Review status: criteria provided, single submitter. Criteria: Ambry Variant Classification Scheme 2023. Collection method: clinical testing. Allele origin: germline.

Labcorp Genetics (formerly Invitae), Labcorp
Classification: Uncertain significance. Last evaluated: 2023-03-23. Review status: criteria provided, single submitter. Criteria: Invitae Variant Classification Sherloc (09022015). Collection method: clinical testing. Allele origin: germline.
Comment: ClinVar contains an entry for this variant (Variation ID: 1463058). This sequence change replaces isoleucine, which is neutral and non-polar, with valine, which is neutral and non-polar, at codon 416 of the FBLN5 protein (p.Ile416Val). This variant is not present in population databases (gnomAD no frequency). This variant has not been reported in the literature in individuals affected with FBLN5-related conditions. Advanced modeling of protein sequence and biophysical properties (such as structural, functional, and spatial information, amino acid conservation, physicochemical variation, residue mobility, and thermodynamic stability) performed at Invitae indicates that this missense variant is not expected to disrupt FBLN5 protein function. In summary, the available evidence is currently insufficient to determine the role of this variant in disease. Therefore, it has been classified as a Variant of Uncertain Significance.